The following is an entry in ClinVar:

ClinVar aggregate classification (germline): Uncertain significance (1 of 4 stars; one submission).

Conditions:
Charcot-Marie-Tooth disease type 4. Also called: Charcot-Marie-Tooth, Type 4; Charcot-Marie-Tooth disease, type IV. Identifiers: Orphanet 64749, MedGen C4082197, MONDO:0018995.

Submission:

Labcorp Genetics (formerly Invitae), Labcorp
Classification: Uncertain significance for Charcot-Marie-Tooth disease type 4. Last evaluated: 2021-01-22. Review status: criteria provided, single submitter. Criteria: Invitae Variant Classification Sherloc (09022015). Collection method: clinical testing. Allele origin: germline.
Comment: This variant has not been reported in the literature in individuals with NDRG1-related conditions. In summary, the available evidence is currently insufficient to determine the role of this variant in disease. Therefore, it has been classified as a Variant of Uncertain Significance. Algorithms developed to predict the effect of missense changes on protein structure and function are either unavailable or do not agree on the potential impact of this missense change (SIFT: "Deleterious"; PolyPhen-2: "Possibly Damaging"; Align-GVGD: "Class C0"). This variant is not present in population databases (ExAC no frequency). This sequence change replaces glutamic acid with glycine at codon 348 of the NDRG1 protein (p.Glu348Gly). The glutamic acid residue is moderately conserved and there is a moderate physicochemical difference between glutamic acid and glycine.

NM_006096.4(NDRG1):c.1043A>G (p.Glu348Gly)

Gene: NDRG1 (N-myc downstream regulated 1; minus strand). Cytogenetic location: 8q24.22.
Variant type: single nucleotide variant.
Coding change: c.1043A>G on transcript NM_006096.4 (MANE Select); coding-DNA position 1043, A replaced by G.
Protein change: p.Glu348Gly; replaces glutamic acid 348 with glycine.
Molecular consequence: missense variant.
Genome position (GRCh38, 1-based): chr8:133,239,020, T>C on the plus strand (A>G on the coding strand, the complement: NDRG1 is on the minus strand). VCF-style: chr8-133239020-T-C. GRCh37 (hg19) VCF-style: chr8-134251263-T-C.
Other names: c.1043A>G, p.Glu348Gly (NM_001135242.2, NM_001374845.1, NM_001374846.1); c.845A>G, p.Glu282Gly (NM_001258432.2, NM_001374847.1); c.800A>G, p.Glu267Gly (NM_001258433.2); c.1094A>G, p.Glu365Gly (NM_001374844.1); short protein forms E365G, E282G, E348G, E267G.
Identifiers: ClinVar variation 1467981 (VCV001467981.8), dbSNP rs2130656034, ClinGen allele CA372254464.